The following is an entry in ClinVar:

NM_000516.7(GNAS):c.1117del (p.Arg373fs)

Gene: GNAS (GNAS complex locus; plus strand). Cytogenetic location: 20q13.32.
Variant type: Deletion.
Coding change: c.1117del on transcript NM_000516.7 (MANE Select); coding-DNA position 1117, one base deleted (C; older notation c.1117delC).
Protein change: p.Arg373fs; shifts the reading frame from arginine 373.
Molecular consequence: frameshift variant. On other transcripts: 3 prime UTR variant (2).
Genome position (GRCh38, 1-based): chr20:58,910,761, C deleted; the last of 2 consecutive C bases (chr20:58,910,760-58,910,761); deleting either gives the same sequence. VCF-style (leftmost placement, unchanged base first): chr20-58910759-TC-T. GRCh37 (hg19) VCF-style: chr20-57485814-TC-T.
Other names: c.1120del, p.Arg374fs (NM_001077488.5); c.1072del, p.Arg358fs (NM_001077489.4); c.*978del (NM_001077490.3); c.940del, p.Arg314fs (NM_001309840.2, NM_001309861.2); c.*1023del (NM_016592.5); c.3046del, p.Arg1016fs (NM_080425.4); c.1075del, p.Arg359fs (NM_080426.4); short protein forms R1016fs, R314fs, R358fs, R359fs, R373fs, R374fs.
Identifiers: ClinVar variation 1224487 (VCV001224487.4), dbSNP rs2146306053, ClinGen allele CA2499225791.

ClinVar aggregate classification (germline): Conflicting classifications of pathogenicity. Review status: criteria provided, conflicting classifications (1 of 4 stars). 2 submissions from 2 submitters: Pathogenic (1); Uncertain significance (1). Last evaluated 2024-09-05.

Submissions (2):

Dasa
Classification: Pathogenic. Last evaluated: 2024-09-05. Review status: criteria provided, single submitter. Criteria: DASA Assertion Criteria. Collection method: clinical testing. Allele origin: germline.
Comment: NM_000516.7(GNAS):c.1117del (p.Arg373Alafs*31) is a frameshift variant in GNAS predicted to alter the reading frame and introduce a premature termination codon and is predicted to result in an absent or altered protein product. Loss of function is an established disease mechanism for GNAS (PMID: 9876352; PMID: 11095461; PMID: 11600516). Segregation data support an association with disease in the reported family/families. Also, this variant is absent from population databases. Based on the currently available evidence, this variant is classified as pathogenic.

Blueprint Genetics
Classification: Uncertain significance. Last evaluated: 2019-10-09. Review status: criteria provided, single submitter. Criteria: ACMG Guidelines, 2015. Collection method: clinical testing. Allele origin: germline.

Literature cited by the submitters: PubMed 9876352 (cited by Dasa); PubMed 11095461 (cited by Dasa); PubMed 11600516 (cited by Dasa).